The following is an entry in ClinVar:

NM_031307.4(PUS3):c.438_442del (p.Asn146fs)

Genes: HYLS1 (HYLS1 centriolar and ciliogenesis associated; plus strand), PUS3 (pseudouridine synthase 3; minus strand). Cytogenetic location: 11q24.2.
Variant type: Deletion.
Coding change: c.438_442del on transcript NM_031307.4 (MANE Select); coding-DNA positions 438 to 442, 5 bases deleted (TGTAA; older notation c.438_442delTGTAA).
Protein change: p.Asn146fs; shifts the reading frame from asparagine 146.
Molecular consequence: frameshift variant. On other transcripts: 5 prime UTR variant (1), intron variant (5).
Genome position (GRCh38, 1-based): chr11:125,895,726-125,895,730, TTACA deleted on the plus strand (TGTAA on the coding strand, the reverse complement: PUS3 is on the minus strand); deleting any 5 consecutive bases within chr11:125,895,726-125,895,733 gives the same sequence; the c. name uses the placement nearest the transcript's 3' end. VCF-style (leftmost placement, unchanged base first): chr11-125895725-TTTACA-T. GRCh37 (hg19) VCF-style: chr11-125765620-TTTACA-T.
Other names: c.438_442delTGTAA (NM_031307.4); c.-187_-183del (NM_001271985.2); c.-80-3375_-80-3371del (NM_145014.3); c.-25-3615_-25-3611del (NM_001134793.2, NM_001377269.1); c.-22-3618_-22-3614del (NM_001424364.1, NM_001377270.1); short protein forms N146fs.
Identifiers: ClinVar variation 2682259 (VCV002682259.1), dbSNP rs758320488, ClinGen allele CA6350513.
Genomic context (GRCh38, chr11:125,895,725, plus strand): 5'-AGTACCCGATTGAGAATGTGGGTATAACGGATCTCTTCAGCAGCAGCATTAGCCTCCTCT[TTTACA>T]TTAAAGTCCTCGGAATCCCTGCCCCTTGGAAACTGAGAGCGAAGGTCAAGTGAGATCACC-3'

ClinVar aggregate classification (germline): Pathogenic (1 of 4 stars; one submission).

Conditions:
Severe growth deficiency-strabismus-extensive dermal melanocytosis-intellectual disability syndrome (NEDMIGS). Also called: NEURODEVELOPMENTAL DISORDER WITH MICROCEPHALY AND GRAY SCLERAE. Identifiers: Orphanet 488627, MedGen C4310745, MONDO:0014886, OMIM 617051.

Submission:

Women's Health and Genetics/Laboratory Corporation of America, LabCorp
Classification: Pathogenic for Severe growth deficiency-strabismus-extensive dermal melanocytosis-intellectual disability syndrome. Last evaluated: 2023-11-22. Review status: criteria provided, single submitter. Criteria: LabCorp Variant Classification Summary - May 2015. Collection method: clinical testing. Allele origin: germline.
Comment: Variant summary: PUS3 c.438_442delTGTAA (p.Asn146LysfsX5) results in a premature termination codon, predicted to cause absence of the protein due to nonsense mediated decay, which is a commonly known mechanism for disease. The variant allele was found at a frequency of 1.2e-05 in 247196 control chromosomes. c.438_442delTGTAA has been reported in the literature in at-least two siblingss affected with neurodevelopmental disorders including developmental delay, intellectual disability, hypotonia, mild dysmorphism and scoliosis (example, Nostvik_2021). These data indicate that the variant is very likely associated with Severe Growth Deficiency-Strabismus Dermal Melanocytosis-Intellectual Disability Syndrome. To our knowledge, no experimental evidence demonstrating an impact on protein function has been reported. The following publication have been ascertained in the context of this evaluation (PMID: 34415064). No submitters have cited clinical-significance assessments for this variant to ClinVar after 2014. Based on the evidence outlined above, the variant was classified as pathogenic.

Literature cited by the submitters: PubMed 34415064.